The following is an entry in ClinVar:

ClinVar aggregate classification (germline): Conflicting classifications of pathogenicity. Review status: criteria provided, conflicting classifications (1 of 4 stars). 6 submissions from 6 submitters: Likely pathogenic (1); Uncertain significance (4). 1 of the submissions does not count toward it. Last evaluated 2026-04-10.

Conditions:
Nemaline myopathy. Also called: Myopathies, Nemaline. Identifiers: Orphanet 607, MedGen C0206157, MONDO:0018958.
Nemaline myopathy 2 (NEM2). Also called: Nemaline myopathy 2, autosomal recessive. Identifiers: MedGen C1850569, MONDO:0009725, OMIM 256030.

gnomAD v4.1: 20 of 1,568,090 alleles (0.0013%); highest among the groups gnomAD compares: Non-Finnish European, 0.0018%; no homozygotes.

Submissions (6):

Myriad Genetics, Inc.
Classification: Uncertain significance for Nemaline myopathy 2. Last evaluated: 2026-04-10. Review status: criteria provided, single submitter. Criteria: Myriad Autosomal Dominant, Autosomal Recessive and X-Linked Classification Criteria (2023). Collection method: clinical testing. Allele origin: unknown.
Comment: NM_001271208.1(NEB):c.6075+3A>T is an intronic variant classified as a variant of uncertain significance in the context of NEB-related nemaline myopathy. c.6075+3A>T has not been observed in cases with relevant disease. Relevant functional assessments of this variant are not available in the literature. c.6075+3A>T has not been observed in referenced population frequency databases. In summary, there is insufficient evidence to classify NM_001271208.1(NEB):c.6075+3A>T as pathogenic or benign. Please note: this variant was assessed in the context of healthy population screening.

Broad Center for Mendelian Genomics, Broad Institute of MIT and Harvard
Classification: Uncertain significance for Nemaline myopathy. Last evaluated: 2025-03-18. Review status: criteria provided, single submitter. Criteria: ACMG Guidelines, 2015. Collection method: curation. Allele origin: germline. Inheritance: Autosomal recessive inheritance.
Comment: The c.6075+3A>T variant in NEB has been not been previously reported in individuals with nemaline myopathy, but has been identified in 0.002% (20/1138178) of European (non-Finnish) chromosomes by the Genome Aggregation Database (gnomAD; dbSNP ID: rs986325764). Although this variant has been seen in the general population in a heterozygous state, its frequency is low enough to be consistent with a recessive carrier frequency. This variant has also been reported in ClinVar (Variation ID: 451848) and has been interpreted as likely pathogenic by GeneDx and a variant of uncertain significance by Genetics and Molecular Pathology (SA Pathology), Invitae, and Natera, Inc. Computational prediction tools and conservation analyses suggest that this variant may impact the protein, though this information is not predictive enough to determine pathogenicity. Two additional likely pathogenic variants, predicted to induce the same splicing effect as this variant, have been reported in ClinVar as being associated with nemaline myopathy, supporting that the c.6075+3A>T variant may be pathogenic (Variation ID: 552040, 1509970). In summary, while there is some suspicion for a pathogenic role, the clinical significance of this variant is uncertain. ACMG/AMP Criteria applied: PS1_supporting PP3, PM2_supporting (Richards 2015).

GeneDx
Classification: Likely pathogenic. Last evaluated: 2023-08-09. Review status: criteria provided, single submitter. Criteria: GeneDx Variant Classification Process June 2021. Collection method: clinical testing. Allele origin: germline. Affected: yes.
Comment: Not observed at significant frequency in large population cohorts (gnomAD); In silico analysis supports a deleterious effect on splicing; Has not been previously published as pathogenic or benign to our knowledge

Labcorp Genetics (formerly Invitae), Labcorp
Classification: Uncertain significance for Nemaline myopathy 2. Last evaluated: 2023-07-19. Review status: criteria provided, single submitter. Criteria: Invitae Variant Classification Sherloc (09022015). Collection method: clinical testing. Allele origin: germline.
Comment: In summary, the available evidence is currently insufficient to determine the role of this variant in disease. Therefore, it has been classified as a Variant of Uncertain Significance. Variants that disrupt the consensus splice site are a relatively common cause of aberrant splicing (PMID: 17576681, 9536098). Algorithms developed to predict the effect of sequence changes on RNA splicing suggest that this variant may disrupt the consensus splice site. ClinVar contains an entry for this variant (Variation ID: 451848). This variant has not been reported in the literature in individuals affected with NEB-related conditions. This variant is not present in population databases (gnomAD no frequency). This sequence change falls in intron 47 of the NEB gene. It does not directly change the encoded amino acid sequence of the NEB protein. It affects a nucleotide within the consensus splice site.

Genetics and Molecular Pathology, SA Pathology
Classification: Uncertain significance for Nemaline myopathy 2. Last evaluated: 2021-06-03. Review status: criteria provided, single submitter. Criteria: ACMG Guidelines, 2015. Collection method: clinical testing. Allele origin: germline. Affected: yes.

Natera, Inc.
Classification: Uncertain significance for Nemaline myopathy type 2. Last evaluated: 2020-09-16. Review status: no assertion criteria provided. Collection method: clinical testing. Allele origin: germline. Not counted in ClinVar's aggregate classification.

Literature cited by the submitters: PubMed 17576681 (cited by Labcorp Genetics (formerly Invitae), Labcorp); PubMed 9536098 (cited by Labcorp Genetics (formerly Invitae), Labcorp).

NM_001164508.2(NEB):c.6075+3A>T

Gene: NEB (nebulin; minus strand). Cytogenetic location: 2q23.3.
Variant type: single nucleotide variant.
Coding change: c.6075+3A>T on transcript NM_001164508.2 (MANE Select); 3 bases into the intron after coding-DNA position 6075, A replaced by T.
Molecular consequence: intron variant.
Genome position (GRCh38, 1-based): chr2:151,659,062, T>A on the plus strand (A>T on the coding strand, the complement: NEB is on the minus strand). VCF-style: chr2-151659062-T-A. GRCh37 (hg19) VCF-style: chr2-152515576-T-A.
Other names: c.6075+3A>T (NM_004543.5, NM_001164507.2, NM_001271208.2 and 1 more transcripts).
Identifiers: ClinVar variation 451848 (VCV000451848.12), dbSNP rs986325764, ClinGen allele CA658657076.